The following is an entry in ClinVar:

ClinVar aggregate classification (germline): Conflicting classifications of pathogenicity. Review status: criteria provided, conflicting classifications (1 of 4 stars). 4 submissions from 4 submitters: Uncertain significance (3); Likely benign (1). Last evaluated 2025-09-29.

Conditions:
Cardiovascular phenotype. Identifiers: MedGen CN230736.
Hereditary cancer-predisposing syndrome. Also called: Hereditary neoplastic syndrome; Neoplastic Syndromes, Hereditary; Tumor predisposition; Hereditary Cancer Syndrome. Identifiers: Orphanet 140162, MedGen C0027672, MeSH D009386, MONDO:0015356.
Neurofibromatosis, type 1 (NF1). Also called: VON RECKLINGHAUSEN DISEASE; Peripheral type neurofibromatosis; NEUROFIBROMATOSIS, TYPE I, SOMATIC; Neurofibromatosis, type I. Identifiers: Orphanet 636, MedGen C0027831, MONDO:0018975, OMIM 162200. Disease mechanism: loss of function.

Allele frequency attached by ClinVar (database versions not stated): gnomAD exomes below 0.00001; ExAC 0.00001.
gnomAD v4.1: 2 of 1,614,206 alleles (0.00012%); highest among the groups gnomAD compares: East Asian, 0.0022%; no homozygotes.

Submissions (4):

Ambry Genetics
Classification: Uncertain significance for Cardiovascular phenotype; Hereditary cancer-predisposing syndrome. Last evaluated: 2025-09-29. Review status: criteria provided, single submitter. Criteria: Ambry Variant Classification Scheme 2023. Collection method: clinical testing. Allele origin: germline.
Comment: The p.Y1659C variant (also known as c.4976A>G), located in coding exon 36 of the NF1 gene, results from an A to G substitution at nucleotide position 4976. The tyrosine at codon 1659 is replaced by cysteine, an amino acid with highly dissimilar properties. This amino acid position is highly conserved in available vertebrate species. In addition, this alteration is predicted to be deleterious by in silico analysis. Based on the available evidence, the clinical significance of this variant remains unclear.

Labcorp Genetics (formerly Invitae), Labcorp
Classification: Likely benign for Neurofibromatosis, type 1. Last evaluated: 2025-05-19. Review status: criteria provided, single submitter. Criteria: Invitae Variant Classification Sherloc (09022015). Collection method: clinical testing. Allele origin: germline.

GeneDx
Classification: Uncertain significance. Last evaluated: 2023-01-08. Review status: criteria provided, single submitter. Criteria: GeneDx Variant Classification Process June 2021. Collection method: clinical testing. Allele origin: germline. Affected: yes.
Comment: In silico analysis supports that this missense variant has a deleterious effect on protein structure/function; Has not been previously published as pathogenic or benign to our knowledge

Genome-Nilou Lab
Classification: Uncertain significance for Neurofibromatosis, type 1. Last evaluated: 2022-03-15. Review status: criteria provided, single submitter. Criteria: ACMG Guidelines, 2015. Collection method: clinical testing. Allele origin: germline. Affected: no.

NM_001042492.3(NF1):c.5039A>G (p.Tyr1680Cys)

Gene: NF1 (neurofibromin 1; plus strand). Cytogenetic location: 17q11.2.
Variant type: single nucleotide variant.
Coding change: c.5039A>G on transcript NM_001042492.3 (MANE Select); coding-DNA position 5039, A replaced by G.
Protein change: p.Tyr1680Cys; replaces tyrosine 1680 with cysteine.
Molecular consequence: missense variant.
Genome position (GRCh38, 1-based): chr17:31,326,023, A>G. VCF-style: chr17-31326023-A-G. GRCh37 (hg19) VCF-style: chr17-29653041-A-G.
Other names: c.4976A>G, p.Tyr1659Cys (NM_000267.4); short protein forms Y1680C, Y1659C.
Identifiers: ClinVar variation 481920 (VCV000481920.15), dbSNP rs758361270, ClinGen allele CA8487130.
Genomic context (GRCh38, chr17:31,326,023, plus strand): 5'-CTAAGTGGTTTGTTGTTTTTCCTGGCTTTGCTTACGACAACGTCTCCGCAGTCTATATCT[A>G]TAACTGTAACTCCTGGGTCAGGGAGTACACCAAGTATCATGAGCGGCTGCTGACTGGCCT-3'
Protein context (NP_001035957.1, residues 1670-1690): AYDNVSAVYI[Tyr1680Cys]NCNSWVREYT